The following is an entry in ClinVar:

ClinVar aggregate classification (germline): Uncertain significance. Review status: criteria provided, multiple submitters, no conflicts (2 of 4 stars). 2 submissions from 2 submitters: Uncertain significance (2). Last evaluated 2025-02-24.

Conditions:
Inborn genetic diseases. Identifiers: MedGen C0950123, MeSH D030342.
Koolen-de Vries syndrome (KDVS). Identifiers: Orphanet 96169, MedGen C1864871, MONDO:0012496, OMIM 610443.

gnomAD v4.1: 12 of 1,613,394 alleles (0.00074%); highest among the groups gnomAD compares: Non-Finnish European, 0.001%; no homozygotes.

Submissions (2):

Labcorp Genetics (formerly Invitae), Labcorp
Classification: Uncertain significance for Koolen-de Vries syndrome. Last evaluated: 2025-02-24. Review status: criteria provided, single submitter. Criteria: Invitae Variant Classification Sherloc (09022015). Collection method: clinical testing. Allele origin: germline.
Comment: Due to the possible presence of a polymorphic segmental duplication, the location of the variant could not be unambiguously resolved. Variants with ambiguous mapping are still reported relative to the KANSL1 transcript. This sequence change replaces methionine, which is neutral and non-polar, with leucine, which is neutral and non-polar, at codon 205 of the KANSL1 protein (p.Met205Leu). This variant is present in population databases (no rsID available, gnomAD 0.0009%). This variant has not been reported in the literature in individuals with KANSL1-related conditions. ClinVar contains an entry for this variant (Variation ID: 834256). Invitae Evidence Modeling of protein sequence and biophysical properties (such as structural, functional, and spatial information, amino acid conservation, physicochemical variation, residue mobility, and thermodynamic stability) indicates that this missense variant is not expected to disrupt KANSL1 protein function with a negative predictive value of 80%. Until the location of this sequence change can be resolved, the clinical significance of this variant remains uncertain. It has been classified as a Variant of Uncertain Significance.

Ambry Genetics
Classification: Uncertain significance for Inborn genetic diseases. Last evaluated: 2023-05-24. Review status: criteria provided, single submitter. Criteria: Ambry Variant Classification Scheme 2023. Collection method: clinical testing. Allele origin: germline.

NM_015443.4(KANSL1):c.613A>T (p.Met205Leu)

Gene: KANSL1 (KAT8 regulatory NSL complex subunit 1). Cytogenetic location: 17q21.31.
Variant type: single nucleotide variant.
Coding change: c.613A>T on transcript NM_015443.4 (MANE Select); coding-DNA position 613, A replaced by T.
Protein change: p.Met205Leu; replaces methionine 205 with leucine.
Molecular consequence: missense variant.
Genome position (GRCh38, 1-based): chr17:46,171,531, T>A on the plus strand (A>T on the coding strand, the complement: KANSL1 is on the minus strand). VCF-style: chr17-46171531-T-A. GRCh37 (hg19) VCF-style: chr17-44248897-T-A.
Other names: c.613A>T, p.Met205Leu (NM_001193465.2, NM_001193466.2, NM_001379198.1); short protein forms M205L.
Identifiers: ClinVar variation 834256 (VCV000834256.11), dbSNP rs1236541973, ClinGen allele CA399981480.